The following is an entry in ClinVar:

ClinVar aggregate classification (germline): Uncertain significance (1 of 4 stars; one submission).

Conditions:
Agammaglobulinemia 2, autosomal recessive (AGM2). Also called: AGAMMAGLOBULINEMIA, AUTOSOMAL RECESSIVE, DUE TO IGLL1 DEFECT. Identifiers: MedGen C3150750, MONDO:0013287, OMIM 613500.

Submission:

Labcorp Genetics (formerly Invitae), Labcorp
Classification: Uncertain significance for Agammaglobulinemia 2, autosomal recessive. Last evaluated: 2024-10-24. Review status: criteria provided, single submitter. Criteria: Invitae Variant Classification Sherloc (09022015). Collection method: clinical testing. Allele origin: germline.
Comment: This sequence change replaces methionine, which is neutral and non-polar, with arginine, which is basic and polar, at codon 197 of the IGLL1 protein (p.Met197Arg). This variant is present in population databases (rs772660059, gnomAD 0.0009%). This variant has not been reported in the literature in individuals affected with IGLL1-related conditions. ClinVar contains an entry for this variant (Variation ID: 1363505). An algorithm developed to predict the effect of missense changes on protein structure and function (PolyPhen-2) suggests that this variant is likely to be tolerated. Algorithms developed to predict the effect of sequence changes on RNA splicing suggest that this variant may create or strengthen a splice site. In summary, the available evidence is currently insufficient to determine the role of this variant in disease. Therefore, it has been classified as a Variant of Uncertain Significance.

NM_020070.4(IGLL1):c.590T>G (p.Met197Arg)

Gene: IGLL1 (immunoglobulin lambda like polypeptide 1; minus strand). Cytogenetic location: 22q11.23.
Variant type: single nucleotide variant.
Coding change: c.590T>G on transcript NM_020070.4 (MANE Select); coding-DNA position 590, T replaced by G.
Protein change: p.Met197Arg; replaces methionine 197 with arginine.
Molecular consequence: missense variant. On other transcripts: 3 prime UTR variant (1).
Genome position (GRCh38, 1-based): chr22:23,573,318, A>C on the plus strand (T>G on the coding strand, the complement: IGLL1 is on the minus strand). VCF-style: chr22-23573318-A-C. GRCh37 (hg19) VCF-style: chr22-23915505-A-C.
Other names: c.593T>G, p.Met198Arg (NM_001369906.1); c.*219T>G (NM_152855.3); short protein forms M197R, M198R.
Identifiers: ClinVar variation 1363505 (VCV001363505.8), dbSNP rs772660059, ClinGen allele CA10143219.